The following is an entry in ClinVar:

NM_000059.4(BRCA2):c.68-973_68-971del

Gene: BRCA2 (BRCA2 DNA repair associated; plus strand). Cytogenetic location: 13q13.1.
Variant type: Deletion.
Coding change: c.68-973_68-971del on transcript NM_000059.4 (MANE Select); 973 bases into the intron before coding-DNA position 68 through 971 bases into the intron before coding-DNA position 68, 3 bases deleted (AGT; older notation c.68-973_68-971delAGT).
Molecular consequence: intron variant.
Genome position (GRCh38, 1-based): chr13:32,318,104-32,318,106, AGT deleted. VCF-style (leftmost placement, unchanged base first): chr13-32318103-CAGT-C. GRCh37 (hg19) VCF-style: chr13-32892240-CAGT-C.
Other names: IVS 2-973del3.
Identifiers: ClinVar variation 209612 (VCV000209612.1), dbSNP rs11571581, ClinGen allele CA276581.

ClinVar aggregate classification (germline): Benign (3 of 4 stars; one submission).

Conditions:
Breast-ovarian cancer, familial, susceptibility to, 2 (BROVCA2). Also called: BRCA2 Hereditary Breast and Ovarian Cancer. Identifiers: Orphanet 145, MedGen C2675520, MONDO:0012933, OMIM 612555. Disease mechanism: loss of function.

Allele frequency attached by ClinVar (database versions not stated): 1000 Genomes Project 30x 0.00671; TOPMed 0.01419; gnomAD 0.01602 and 0.01649; 1000 Genomes Project 0.00659.

Submission:

Evidence-based Network for the Interpretation of Germline Mutant Alleles (ENIGMA)
Classification: Benign for Breast-ovarian cancer, familial 2. Last evaluated: 2015-01-12. Review status: reviewed by expert panel. Criteria: ENIGMA BRCA1/2 Classification Criteria (2015). Collection method: curation. Allele origin: germline.
Comment: Class 1 not pathogenic based on frequency >1% in an outbred sampleset. Frequency 0.03 (European), derived from 1000 genomes (2012-04-30).